The following is an entry in ClinVar:

NM_004655.4(AXIN2):c.2369A>G (p.His790Arg)

Gene: AXIN2 (axin 2; minus strand). Cytogenetic location: 17q24.1.
Variant type: single nucleotide variant.
Coding change: c.2369A>G on transcript NM_004655.4 (MANE Select); coding-DNA position 2369, A replaced by G.
Protein change: p.His790Arg; replaces histidine 790 with arginine.
Molecular consequence: missense variant.
Genome position (GRCh38, 1-based): chr17:65,533,948, T>C on the plus strand (A>G on the coding strand, the complement: AXIN2 is on the minus strand). VCF-style: chr17-65533948-T-C. GRCh37 (hg19) VCF-style: chr17-63530066-T-C.
Other names: c.2174A>G, p.His725Arg (NM_001363813.1); short protein forms H725R, H790R.
Identifiers: ClinVar variation 2566116 (VCV002566116.2), dbSNP rs2509388742, ClinGen allele CA400675400.
Genomic context (GRCh38, chr17:65,533,948, plus strand): 5'-AGAAAAAAGCCACAGGACTCTTACCTATAATTTCCCTTTTTGCTGAGCTGCTCTTTAAAG[T>C]GGCCCAGGGTCAAGCTCTGAGCCTTCAGCATCCTCCGGTATGGAATTTCTTCCCCACAGA-3'
Protein context (NP_004646.3, residues 780-800): MLKAQSLTLG[His790Arg]FKEQLSKKGN

ClinVar aggregate classification (germline): Uncertain significance (1 of 4 stars; one submission).

Conditions:
Hereditary cancer-predisposing syndrome. Also called: Neoplastic Syndromes, Hereditary; Hereditary Cancer Syndrome; Hereditary neoplastic syndrome; Tumor predisposition. Identifiers: Orphanet 140162, MedGen C0027672, MeSH D009386, MONDO:0015356.

Submission:

Ambry Genetics
Classification: Uncertain significance for Hereditary cancer-predisposing syndrome. Last evaluated: 2023-04-24. Review status: criteria provided, single submitter. Criteria: Ambry Variant Classification Scheme 2023. Collection method: clinical testing. Allele origin: germline.
Comment: The p.H790R variant (also known as c.2369A>G), located in coding exon 9 of the AXIN2 gene, results from an A to G substitution at nucleotide position 2369. The histidine at codon 790 is replaced by arginine, an amino acid with highly similar properties. This amino acid position is well conserved in available vertebrate species. In addition, the in silico prediction for this alteration is inconclusive. Since supporting evidence is limited at this time, the clinical significance of this alteration remains unclear.